The following is an entry in ClinVar:

ClinVar aggregate classification (germline): Pathogenic. Review status: criteria provided, multiple submitters, no conflicts (2 of 4 stars). 10 submissions from 10 submitters: Pathogenic (10). Last evaluated 2026-06-01.

Conditions:
ECEL1-related disorders.
Inborn genetic diseases. Identifiers: MedGen C0950123, MeSH D030342.
Distal arthrogryposis type 5D (DA5D). Identifiers: Orphanet 329457, MedGen C3554415, MONDO:0014028, OMIM 615065.

Submissions (10):

CeGaT Center for Human Genetics Tuebingen
Classification: Pathogenic. Last evaluated: 2026-06-01. Review status: criteria provided, single submitter. Criteria: CeGaT Center For Human Genetics Tuebingen Variant Classification Criteria Version 2. Collection method: clinical testing. Allele origin: germline. Affected: yes. Observed: 1 variant allele.
Comment: ECEL1: PM3:Very Strong, PVS1, PM2, PP4

Dasa
Classification: Pathogenic. Last evaluated: 2025-09-15. Review status: criteria provided, single submitter. Criteria: DASA Assertion Criteria. Collection method: clinical testing. Allele origin: germline.
Comment: NM_004826.4(ECEL1):c.110_155del (p.Phe37Cysfs*151) introduces a premature termination codon predicted to result in loss of normal protein function. Loss-of-function is an established mechanism of disease for this gene. This variant has been observed in affected individuals with related phenotype in a genotype context consistent with recessive disease (PMID: 39062310; PMID: 38327621; PMID: 33966749; PMID: 33672664). This variant has been recurrently observed in individuals with related phenotype (PMID: 39062310; PMID: 38327621; PMID: 33966749; PMID: 33672664). The variant is present at low frequency in population datasets. Based on the available data, this variant is classified as pathogenic.

3billion
Classification: Pathogenic for Distal arthrogryposis type 5D. Last evaluated: 2025-06-25. Review status: criteria provided, single submitter. Criteria: ACMG Guidelines, 2015. Collection method: clinical testing. Allele origin: germline. Affected: yes.
Comment: The variant is observed at an extremely low frequency in the gnomAD v4.1.0 dataset (total allele frequency: 0.006%). Predicted Consequence/Location: Frameshift: predicted to result in a loss or disruption of normal protein function through nonsense-mediated decay (NMD) or protein truncation. Multiple pathogenic variants are reported downstream of the variant. The variant has been reported to be in trans with a pathogenic variant as either compound heterozygous or homozygous in at least one similarly affected unrelated individual (3billion dataset). The variant has been reported at least twice as pathogenic with clinical assertions and evidence for the classification (ClinVar ID: VCV000435024 /PMID: 30792901 /3billion dataset). Therefore, this variant is classified as Pathogenic according to the recommendation of ACMG/AMP guideline.

Genomic Medicine Center of Excellence, King Faisal Specialist Hospital and Research Centre
Classification: Pathogenic for Distal arthrogryposis type 5D. Last evaluated: 2024-12-19. Review status: criteria provided, single submitter. Criteria: ACMG Guidelines, 2015. Collection method: clinical testing. Allele origin: germline.

Blueprint Genetics
Classification: Pathogenic for ECEL1-related disorders. Last evaluated: 2024-09-04. Review status: criteria provided, single submitter. Criteria: ACMG Guidelines, 2015. Collection method: clinical testing. Allele origin: germline. Affected: yes. Observed: 5 variant alleles.

Victorian Clinical Genetics Services, Murdoch Childrens Research Institute
Classification: Pathogenic for Distal arthrogryposis type 5D. Last evaluated: 2023-07-17. Review status: criteria provided, single submitter. Criteria: ACMG Guidelines, 2015. Collection method: clinical testing. Allele origin: germline. Inheritance: Autosomal recessive inheritance. Affected: yes.
Comment: Based on the classification scheme VCGS_Germline_v1.3.4, this variant is classified as Pathogenic. Following criteria are met: 0102 - Loss of function is a likely mechanism of disease in this gene and is associated with distal arthrogryposis, type 5D (MIM#615065). (I) 0106 - This gene is associated with autosomal recessive disease. (I) 0201 - Variant is predicted to cause nonsense-mediated decay (NMD) and loss of protein (premature termination codon is located at least 54 nucleotides upstream of the final exon-exon junction). (SP) 0251 - This variant is heterozygous. (I) 0304 - Variant is present in gnomAD <0.01 (v3) for a recessive condition (16 heterozygotes, 0 homozygotes). (SP) 0701 - Other null variants comparable to the one identified in this case have very strong previous evidence for pathogenicity. There are multiple NMD-predicted variants that have been classified as likely pathogenic or pathogenic (DECIPHER). (SP) 0801 - This variant has strong previous evidence of pathogenicity in unrelated individuals. This variant has been classified as pathogenic by multiple clinical diagnostic laboratories and has been identified in individuals with distal arthrogryposis (ClinVar; PMIDs: 30792901, 33966749, 33060286). (SP) 1102 - Strong phenotype match for this individual. (SP) 1201 - Heterozygous variant detected in trans with a heterozygous likely pathogenic variant, NM_004826.3(ECEL1):c.1783_1788del, p.(Pro595Asp596del), in a recessive disease. (I) Legend: (SP) - Supporting pathogenic, (I) - Information, (SB) - Supporting benign

GeneDx
Classification: Pathogenic. Last evaluated: 2022-06-03. Review status: criteria provided, single submitter. Criteria: GeneDx Variant Classification Process June 2021. Collection method: clinical testing. Allele origin: germline. Affected: yes.
Comment: Identified in the presence of a second ECEL1 variant in a patient with arthrogryposis (Scocchia et al., 2019); Frameshift variant predicted to result in protein truncation or nonsense mediated decay in a gene for which loss-of-function is a known mechanism of disease; This variant is associated with the following publications: (PMID: 23236030, 23261301, 25099528, 24782201, 25708584, 33743358, 33966749, 30792901, 27535533)

Genomic Medicine Lab, University of California San Francisco
Classification: Pathogenic for Distal arthrogryposis type 5D. Last evaluated: 2019-08-15. Review status: criteria provided, single submitter. Criteria: ACMG Guidelines, 2015. Collection method: clinical testing. Allele origin: germline. Inheritance: Autosomal recessive inheritance. Affected: yes. Study: CSER-P3EGS.

Ambry Genetics
Classification: Pathogenic for Inborn genetic diseases. Last evaluated: 2017-01-17. Review status: criteria provided, single submitter. Criteria: Ambry exome assertion method (8-5-2015). Collection method: clinical testing. Allele origin: germline. Affected: yes. Observed: 1 variant allele.

Genetic Services Laboratory, University of Chicago
Classification: Pathogenic for Arthrogryposis, distal, type 5D. Last evaluated: 2016-05-05. Review status: criteria provided, single submitter. Criteria: ACMG Guidelines, 2015. Collection method: clinical testing. Allele origin: germline. Affected: yes.

Literature cited by the submitters: PubMed 39062310 (cited by Dasa); PubMed 38327621 (cited by Dasa); PubMed 33966749 (cited by Dasa and Victorian Clinical Genetics Services, Murdoch Childrens Research Institute); PubMed 33672664 (cited by Dasa); PubMed 30792901 (cited by 3billion and Victorian Clinical Genetics Services, Murdoch Childrens Research Institute); PubMed 33060286 (cited by Victorian Clinical Genetics Services, Murdoch Childrens Research Institute).

NM_004826.4(ECEL1):c.110_155del (p.Phe37fs)

Gene: ECEL1 (endothelin converting enzyme like 1; minus strand). Cytogenetic location: 2q37.1.
Variant type: Deletion.
Coding change: c.110_155del on transcript NM_004826.4 (MANE Select); coding-DNA positions 110 to 155, 46 bases deleted.
Protein change: p.Phe37fs; shifts the reading frame from phenylalanine 37.
Molecular consequence: frameshift variant.
Genome position (GRCh38, 1-based): chr2:232,486,499-232,486,544, 46 bases deleted; deleting any 46 consecutive bases within chr2:232,486,499-232,486,551 gives the same sequence; the c. name uses the placement nearest the transcript's 3' end. GRCh37 (hg19): chr2:233,351,216-233,351,261.
Other names: c.110_155del (NM_004826.3); c.110_155del, p.Phe37fs (NM_001290787.2); short protein forms F37fs.
Identifiers: ClinVar variation 435024 (VCV000435024.20), dbSNP rs1341894581, ClinGen allele CA431951445.